The following is an entry in ClinVar:

ClinVar aggregate classification (germline): Pathogenic/Likely pathogenic. Review status: criteria provided, multiple submitters, no conflicts (2 of 4 stars). 3 submissions from 3 submitters: Pathogenic (1); Likely pathogenic (2). Last evaluated 2024-10-15.

Conditions:
ADAMTS17-related disorder. Also called: ADAMTS17-related condition.
Weill-Marchesani 4 syndrome, recessive. Also called: Weill-Marchesani syndrome 4. Identifiers: Orphanet 363992, MedGen C2750787, MONDO:0013176, OMIM 613195.

gnomAD v4.1: 25 of 1,614,182 alleles (0.0015%); highest among the groups gnomAD compares: Middle Eastern, 0.016%; no homozygotes.

Submissions (3):

Blueprint Genetics
Classification: Likely pathogenic for ADAMTS17-related disorders. Last evaluated: 2024-10-15. Review status: criteria provided, single submitter. Criteria: ACMG Guidelines, 2015. Collection method: clinical testing. Allele origin: germline. Affected: yes. Observed: 5 variant alleles.

Labcorp Genetics (formerly Invitae), Labcorp
Classification: Pathogenic. Last evaluated: 2023-08-07. Review status: criteria provided, single submitter. Criteria: Invitae Variant Classification Sherloc (09022015). Collection method: clinical testing. Allele origin: germline.
Comment: This sequence change creates a premature translational stop signal (p.Arg854*) in the ADAMTS17 gene. It is expected to result in an absent or disrupted protein product. Loss-of-function variants in ADAMTS17 are known to be pathogenic (PMID: 19836009, 24940034). This variant is not present in population databases (gnomAD no frequency). This variant has not been reported in the literature in individuals affected with ADAMTS17-related conditions. ClinVar contains an entry for this variant (Variation ID: 2570579). For these reasons, this variant has been classified as Pathogenic.

Laboratory of Molecular and Physiopathological Bases of Osteochondrodysplasia, Imagine Institute
Classification: Likely pathogenic for Weill-Marchesani 4 syndrome, recessive. Last evaluated: 2023-06-29. Review status: criteria provided, single submitter. Criteria: ACMG Guidelines, 2015. Collection method: clinical testing. Allele origin: unknown. Affected: yes. Observed: 1 variant allele.

Literature cited by the submitters: PubMed 19836009 (cited by Labcorp Genetics (formerly Invitae), Labcorp); PubMed 24940034 (cited by Labcorp Genetics (formerly Invitae), Labcorp).

NM_139057.4(ADAMTS17):c.2560C>T (p.Arg854Ter)

Gene: ADAMTS17 (ADAM metallopeptidase with thrombospondin type 1 motif 17; minus strand). Cytogenetic location: 15q26.3.
Variant type: single nucleotide variant.
Coding change: c.2560C>T on transcript NM_139057.4 (MANE Select); coding-DNA position 2560, C replaced by T.
Protein change: p.Arg854Ter; replaces arginine 854 with a stop codon.
Molecular consequence: nonsense.
Genome position (GRCh38, 1-based): chr15:100,048,888, G>A on the plus strand (C>T on the coding strand, the complement: ADAMTS17 is on the minus strand). VCF-style: chr15-100048888-G-A. GRCh37 (hg19) VCF-style: chr15-100589093-G-A.
Other names: short protein forms R854*.
Identifiers: ClinVar variation 2570579 (VCV002570579.5), dbSNP rs780563389, ClinGen allele CA393692335.